The following is an entry in ClinVar:

ClinVar aggregate classification (germline): Uncertain significance. Review status: criteria provided, multiple submitters, no conflicts (2 of 4 stars). 2 submissions from 2 submitters: Uncertain significance (2). Last evaluated 2025-08-31.

Conditions:
Inborn genetic diseases. Identifiers: MedGen C0950123, MeSH D030342.

Allele frequency attached by ClinVar (database versions not stated): gnomAD 0.00003; gnomAD exomes 0.00005 and 0.00008; ExAC 0.00012; 1000 Genomes Project 30x 0.00016; 1000 Genomes Project 0.00020.
gnomAD v4.1: 73 of 1,613,418 alleles (0.0045%); highest among the groups gnomAD compares: South Asian, 0.078%; no homozygotes.

Submissions (2):

Ambry Genetics
Classification: Uncertain significance for Inborn genetic diseases. Last evaluated: 2025-08-31. Review status: criteria provided, single submitter. Criteria: Ambry Variant Classification Scheme 2023. Collection method: clinical testing. Allele origin: germline.

Labcorp Genetics (formerly Invitae), Labcorp
Classification: Uncertain significance. Last evaluated: 2022-07-13. Review status: criteria provided, single submitter. Criteria: Invitae Variant Classification Sherloc (09022015). Collection method: clinical testing. Allele origin: germline.
Comment: This sequence change replaces serine, which is neutral and polar, with leucine, which is neutral and non-polar, at codon 707 of the SLC26A3 protein (p.Ser707Leu). This variant is present in population databases (rs561848464, gnomAD 0.07%). This variant has not been reported in the literature in individuals affected with SLC26A3-related conditions. ClinVar contains an entry for this variant (Variation ID: 1431827). Algorithms developed to predict the effect of missense changes on protein structure and function are either unavailable or do not agree on the potential impact of this missense change (SIFT: "Tolerated"; PolyPhen-2: "Probably Damaging"; Align-GVGD: "Class C0"). In summary, the available evidence is currently insufficient to determine the role of this variant in disease. Therefore, it has been classified as a Variant of Uncertain Significance.

NM_000111.3(SLC26A3):c.2120C>T (p.Ser707Leu)

Gene: SLC26A3 (solute carrier family 26 member 3; minus strand). Cytogenetic location: 7q22.3.
Variant type: single nucleotide variant.
Coding change: c.2120C>T on transcript NM_000111.3 (MANE Select); coding-DNA position 2120, C replaced by T.
Protein change: p.Ser707Leu; replaces serine 707 with leucine.
Molecular consequence: missense variant.
Genome position (GRCh38, 1-based): chr7:107,767,851, G>A on the plus strand (C>T on the coding strand, the complement: SLC26A3 is on the minus strand). VCF-style: chr7-107767851-G-A. GRCh37 (hg19) VCF-style: chr7-107408296-G-A.
Other names: c.2120C>T (NM_000111.2); short protein forms S707L.
Identifiers: ClinVar variation 1431827 (VCV001431827.6), dbSNP rs561848464, ClinGen allele CA4433571.